The following is an entry in ClinVar:

ClinVar aggregate classification (germline): Uncertain significance (1 of 4 stars; one submission).

Conditions:
Developmental and epileptic encephalopathy, 54. Also called: HNRNPU-Related Neurodevelopmental Disorder; Epileptic encephalopathy, early infantile, 54. Identifiers: MedGen C4479319, MONDO:0033363, OMIM 617391.

Allele frequency attached by ClinVar (database versions not stated): gnomAD exomes below 0.00001.
gnomAD v4.1: 1 of 1,599,434 alleles (0.000063%); highest among the groups gnomAD compares: South Asian, 0.0011%; no homozygotes.

Submission:

Labcorp Genetics (formerly Invitae), Labcorp
Classification: Uncertain significance for Developmental and epileptic encephalopathy, 54. Last evaluated: 2023-07-10. Review status: criteria provided, single submitter. Criteria: Invitae Variant Classification Sherloc (09022015). Collection method: clinical testing. Allele origin: germline.
Comment: The frequency data for this variant in the population databases is considered unreliable, as metrics indicate poor data quality at this position in the gnomAD database. This sequence change replaces aspartic acid, which is acidic and polar, with glycine, which is neutral and non-polar, at codon 61 of the HNRNPU protein (p.Asp61Gly). This variant has not been reported in the literature in individuals affected with HNRNPU-related conditions. ClinVar contains an entry for this variant (Variation ID: 967703). An algorithm developed to predict the effect of missense changes on protein structure and function (PolyPhen-2) suggests that this variant is likely to be disruptive. In summary, the available evidence is currently insufficient to determine the role of this variant in disease. Therefore, it has been classified as a Variant of Uncertain Significance.

NM_031844.3(HNRNPU):c.182A>G (p.Asp61Gly)

Gene: HNRNPU (heterogeneous nuclear ribonucleoprotein U; minus strand). Cytogenetic location: 1q44.
Variant type: single nucleotide variant.
Coding change: c.182A>G on transcript NM_031844.3 (MANE Select); coding-DNA position 182, A replaced by G.
Protein change: p.Asp61Gly; replaces aspartic acid 61 with glycine.
Molecular consequence: missense variant.
Genome position (GRCh38, 1-based): chr1:244,864,126, T>C on the plus strand (A>G on the coding strand, the complement: HNRNPU is on the minus strand). VCF-style: chr1-244864126-T-C. GRCh37 (hg19) VCF-style: chr1-245027428-T-C.
Other names: c.182A>G, p.Asp61Gly (NM_004501.3); short protein forms D61G.
Identifiers: ClinVar variation 967703 (VCV000967703.10), dbSNP rs1317607352, ClinGen allele CA345497751.
Genomic context (GRCh38, chr1:244,864,126, plus strand): 5'-CCGGCCGCGGCCTCCTGCTCGAGGCCTGCTCCCGAGCGCCCAGCGGAATCCCCGCCCAGG[T>C]CTAGGCTGCCGTTCCCGGGCTCCATGGCGGGGCGGCCCCCGGCCTCCTCGTCGTCCAGCG-3'
Protein context (NP_114032.2, residues 51-71): PAMEPGNGSL[Asp61Gly]LGGDSAGRSG